The following is an entry in ClinVar:

NM_001042492.3(NF1):c.7316T>C (p.Leu2439Ser)

Gene: NF1 (neurofibromin 1; plus strand). Cytogenetic location: 17q11.2.
Variant type: single nucleotide variant.
Coding change: c.7316T>C on transcript NM_001042492.3 (MANE Select); coding-DNA position 7316, T replaced by C.
Protein change: p.Leu2439Ser; replaces leucine 2439 with serine.
Molecular consequence: missense variant.
Genome position (GRCh38, 1-based): chr17:31,349,246, T>C. VCF-style: chr17-31349246-T-C. GRCh37 (hg19) VCF-style: chr17-29676264-T-C.
Other names: c.7253T>C, p.Leu2418Ser (NM_000267.4); short protein forms L2418S, L2439S.
Identifiers: ClinVar variation 998798 (VCV000998798.5), dbSNP rs2070078996, ClinGen allele CA399016918.

ClinVar aggregate classification (germline): Uncertain significance (1 of 4 stars; one submission).

Conditions:
Neurofibromatosis, type 1 (NF1). Also called: Neurofibromatosis, type I; VON RECKLINGHAUSEN DISEASE; NEUROFIBROMATOSIS, TYPE I, SOMATIC; Peripheral type neurofibromatosis. Identifiers: Orphanet 636, MedGen C0027831, MONDO:0018975, OMIM 162200. Disease mechanism: loss of function.

Submission:

Labcorp Genetics (formerly Invitae), Labcorp
Classification: Uncertain significance for Neurofibromatosis, type 1. Last evaluated: 2022-11-15. Review status: criteria provided, single submitter. Criteria: Invitae Variant Classification Sherloc (09022015). Collection method: clinical testing. Allele origin: germline.
Comment: This sequence change replaces leucine, which is neutral and non-polar, with serine, which is neutral and polar, at codon 2418 of the NF1 protein (p.Leu2418Ser). This variant is not present in population databases (gnomAD no frequency). This variant has not been reported in the literature in individuals affected with NF1-related conditions. ClinVar contains an entry for this variant (Variation ID: 998798). Advanced modeling of protein sequence and biophysical properties (such as structural, functional, and spatial information, amino acid conservation, physicochemical variation, residue mobility, and thermodynamic stability) performed at Invitae indicates that this missense variant is expected to disrupt NF1 protein function. In summary, the available evidence is currently insufficient to determine the role of this variant in disease. Therefore, it has been classified as a Variant of Uncertain Significance.